The following is an entry in ClinVar:

ClinVar aggregate classification (germline): Uncertain significance (1 of 4 stars; one submission).

Allele frequency attached by ClinVar (database versions not stated): gnomAD exomes below 0.00001.

Submission:

Ambry Genetics
Classification: Uncertain significance. Last evaluated: 2023-11-15. Review status: criteria provided, single submitter. Criteria: Ambry Variant Classification Scheme 2023. Collection method: clinical testing. Allele origin: germline.
Comment: The p.V229I variant (also known as c.685G>A), located in coding exon 8 of the BUB1 gene, results from a G to A substitution at nucleotide position 685. The valine at codon 229 is replaced by isoleucine, an amino acid with highly similar properties. This amino acid position is conserved. In addition, this alteration is predicted to be tolerated by in silico analysis. Since supporting evidence is limited at this time, the clinical significance of this alteration remains unclear.

NM_004336.5(BUB1):c.685G>A (p.Val229Ile)

Gene: BUB1 (BUB1 mitotic checkpoint serine/threonine kinase; minus strand). Cytogenetic location: 2q13.
Variant type: single nucleotide variant.
Coding change: c.685G>A on transcript NM_004336.5 (MANE Select); coding-DNA position 685, G replaced by A.
Protein change: p.Val229Ile; replaces valine 229 with isoleucine.
Molecular consequence: missense variant.
Genome position (GRCh38, 1-based): chr2:110,667,641, C>T on the plus strand (G>A on the coding strand, the complement: BUB1 is on the minus strand). VCF-style: chr2-110667641-C-T. GRCh37 (hg19) VCF-style: chr2-111425218-C-T.
Other names: c.625G>A, p.Val209Ile (NM_001278616.2); c.685G>A, p.Val229Ile (NM_001278617.2); short protein forms V209I, V229I.
Identifiers: ClinVar variation 3224113 (VCV003224113.1), dbSNP rs2468028344, ClinGen allele CA348217869.